The following is an entry in ClinVar:

ClinVar aggregate classification (germline): Likely benign (0 of 4 stars; one submission).

Conditions:
ATRN-related disorder. Also called: ATRN-related condition.

Submission:

PreventionGenetics, part of Exact Sciences
Classification: Likely benign for ATRN-related condition. Last evaluated: 2019-08-28. Review status: no assertion criteria provided. Collection method: clinical testing. Allele origin: germline.
Comment: This variant is classified as likely benign based on ACMG/AMP sequence variant interpretation guidelines (Richards et al. 2015 PMID: 25741868, with internal and published modifications).

NM_139321.3(ATRN):c.4278G>C (p.Gly1426=)

Gene: ATRN (attractin; plus strand). Cytogenetic location: 20p13.
Variant type: single nucleotide variant.
Coding change: c.4278G>C on transcript NM_139321.3 (MANE Select); coding-DNA position 4278, G replaced by C.
Protein change: p.Gly1426=; no amino-acid change (glycine 1426 retained).
Molecular consequence: synonymous variant.
Genome position (GRCh38, 1-based): chr20:3,646,835, G>C. VCF-style: chr20-3646835-G-C. GRCh37 (hg19) VCF-style: chr20-3627482-G-C.
Identifiers: ClinVar variation 3052923 (VCV003052923.2), dbSNP rs2514672772, ClinGen allele CA509418840.
Genomic context (GRCh38, chr20:3,646,835, plus strand): 5'-GTACAAGGAGAAGTCAGGAGCCGTGAGAAACCGGAAGCAGCAGCCCCCTGCACAGCCTGG[G>C]ACCTGCATCTGATGCTGGGGCCAGGGACTCTCCCACGCACGAGCTAGTGAGTGGCACACC-3'
Protein context (NP_647537.1, residues 1416-1429): NRKQQPPAQP[Gly1426=]TCI